The following is an entry in ClinVar:

ClinVar aggregate classification (germline): Conflicting classifications of pathogenicity. Review status: criteria provided, conflicting classifications (1 of 4 stars). 13 submissions from 13 submitters: Uncertain significance (10); Likely benign (3). Last evaluated 2026-05-10.

Conditions:
Familial ovarian cancer. Identifiers: MedGen C5679802, MONDO:0016248.
RAD51C-related disorder. Also called: RAD51C-related condition; RAD51C-related disorders.
Hereditary cancer. Identifiers: MedGen C1333600.
Hereditary cancer-predisposing syndrome. Also called: Tumor predisposition; Hereditary neoplastic syndrome; Hereditary Cancer Syndrome; Neoplastic Syndromes, Hereditary. Identifiers: Orphanet 140162, MedGen C0027672, MeSH D009386, MONDO:0015356.
Breast-ovarian cancer, familial, susceptibility to, 3. Also called: RAD51C-Related Breast/Ovarian Cancer. Identifiers: Orphanet 145, MedGen C3150659, MONDO:0013253, OMIM 613399.
Fanconi anemia complementation group O. Also called: RAD51C-Related Fanconi Anemia. Identifiers: Orphanet 84, MedGen C3150653, MONDO:0013248, OMIM 613390.

Allele frequency attached by ClinVar (database versions not stated): TOPMed 0.00001; ESP Exome Variant Server 0.00008.
gnomAD v4.1: 8 of 1,613,944 alleles (0.0005%); highest among the groups gnomAD compares: Non-Finnish European, 0.00059%; no homozygotes.

Submissions (13):

PreventionGenetics, part of Exact Sciences
Classification: Uncertain significance for RAD51C-related condition. Last evaluated: 2026-05-10. Review status: criteria provided, single submitter. Criteria: ACMG Guidelines, 2015. Collection method: clinical testing. Allele origin: germline.
Comment: The RAD51C c.335G>C variant is predicted to result in the amino acid substitution p.Gly112Ala. This variant has been reported in the literature in an individual with breast cancer (Supp. Table 3, Guindalini et al. 2022. PubMed ID: 35264596). Experimental studies showed this variant does not negatively impact RAD51C function (Supp. Table 1, Hu et al. 2023. PubMed ID: 37253112). This variant is reported in 0.00088% of alleles in individuals of European (Non-Finnish) descent in gnomAD and has conflicting interpretations in ClinVar ranging from uncertain to likely benign (Variation ID: 142093). At this time, the clinical significance of this variant is uncertain due to the absence of conclusive functional and genetic evidence.

Labcorp Genetics (formerly Invitae), Labcorp
Classification: Uncertain significance for Fanconi anemia complementation group O. Last evaluated: 2025-12-28. Review status: criteria provided, single submitter. Criteria: Invitae Variant Classification Sherloc (09022015). Collection method: clinical testing. Allele origin: germline.
Comment: This sequence change replaces glycine, which is neutral and non-polar, with alanine, which is neutral and non-polar, at codon 112 of the RAD51C protein (p.Gly112Ala). This variant is present in population databases (rs370212314, gnomAD 0.0009%). This variant has not been reported in the literature in individuals affected with RAD51C-related conditions. ClinVar contains an entry for this variant (Variation ID: 142093). Invitae Evidence Modeling of protein sequence and biophysical properties (such as structural, functional, and spatial information, amino acid conservation, physicochemical variation, residue mobility, and thermodynamic stability) indicates that this missense variant is not expected to disrupt RAD51C protein function with a negative predictive value of 80%. Experimental studies have shown that this missense change does not substantially affect RAD51C function (PMID: 37253112). In summary, the available evidence is currently insufficient to determine the role of this variant in disease. Therefore, it has been classified as a Variant of Uncertain Significance.

Color Diagnostics, LLC DBA Color Health
Classification: Uncertain significance for Hereditary cancer-predisposing syndrome. Last evaluated: 2025-03-25. Review status: criteria provided, single submitter. Criteria: ACMG Guidelines, 2015. Collection method: clinical testing. Allele origin: germline.
Comment: This missense variant replaces glycine with alanine at codon 112 of the RAD51C protein. Computational prediction suggests that this variant may not impact protein structure and function. A functional study reported that this variant did not impact homology-directed repair or drug response (PMID: 37253112). This variant has been reported in individuals affected with breast cancer and/or suspected hereditary breast and ovarian cancer family (PMID: 26822949, 31422574, 35264596). This variant also has been detected in a breast cancer case-control meta-analysis in 1/60463 cases and 2/53461 unaffected individuals (PMID: 33471991; Leiden Open Variation Database DB-ID RAD51C_000112). This variant has been identified in 1/251296 chromosomes in the general population by the Genome Aggregation Database (gnomAD). The available evidence is insufficient to determine the role of this variant in disease conclusively. Therefore, this variant is classified as a Variant of Uncertain Significance.

Myriad Genetics, Inc.
Classification: Likely benign for Breast-ovarian cancer, familial, susceptibility to, 3. Last evaluated: 2025-02-14. Review status: criteria provided, single submitter. Criteria: Myriad Autosomal Dominant, Autosomal Recessive and X-Linked Classification Criteria (2023). Collection method: clinical testing. Allele origin: unknown.
Comment: This variant is considered likely benign. This variant is strongly associated with less severe personal and family histories of cancer, typical for individuals without pathogenic variants in this gene [PMID: 25085752].

Quest Diagnostics Nichols Institute San Juan Capistrano
Classification: Uncertain significance. Last evaluated: 2024-12-27. Review status: criteria provided, single submitter. Criteria: Quest Diagnostics criteria. Collection method: clinical testing. Allele origin: unknown.
Comment: The RAD51C c.335G>C (p.Gly112Ala) variant has been reported in the published literature in individuals with breast cancer (PMIDs: 35264596 (2022), 33471991 (2021), 31206626 (2019), see also LOVD), as well as in reportedly healthy individuals (PMIDs: 33471991 (2021), 31422574 (2019), see also LOVD). The frequency of this variant in the general population (Genome Aggregation Database) is uninformative in the assessment of its pathogenicity. Analysis of this variant using bioinformatics tools for the prediction of the effect of amino acid changes on protein structure and function yielded predictions that this variant is damaging. Based on the available information, we are unable to determine the clinical significance of this variant.

Molecular Pathology, Peter Maccallum Cancer Centre
Classification: Uncertain significance for Familial ovarian cancer. Last evaluated: 2024-12-18. Review status: criteria provided, single submitter. Criteria: ACMG Guidelines, 2015. Collection method: clinical testing. Allele origin: germline. Inheritance: Autosomal dominant inheritance.

Baylor Genetics
Classification: Uncertain significance for Breast-ovarian cancer, familial, susceptibility to, 3. Last evaluated: 2024-03-28. Review status: criteria provided, single submitter. Criteria: ACMG Guidelines, 2015. Collection method: clinical testing. Allele origin: unknown.

Mendelics
Classification: Likely benign for Hereditary cancer. Last evaluated: 2024-01-23. Review status: criteria provided, single submitter. Criteria: ACMG Guidelines, 2015. Collection method: clinical testing. Allele origin: unknown.

Blueprint Genetics
Classification: Uncertain significance. Last evaluated: 2024-01-19. Review status: criteria provided, single submitter. Criteria: ACMG Guidelines, 2015. Collection method: clinical testing. Allele origin: germline.

GeneDx
Classification: Uncertain significance. Last evaluated: 2023-09-06. Review status: criteria provided, single submitter. Criteria: GeneDx Variant Classification Process June 2021. Collection method: clinical testing. Allele origin: germline. Affected: yes.
Comment: Not observed at significant frequency in large population cohorts (gnomAD); In silico analysis supports that this missense variant has a deleterious effect on protein structure/function; This variant is associated with the following publications: (PMID: 31422574, 26822949, 31206626, 35264596, 26691941, 14704354)

Women's Health and Genetics/Laboratory Corporation of America, LabCorp
Classification: Uncertain significance. Last evaluated: 2023-01-06. Review status: criteria provided, single submitter. Criteria: LabCorp Variant Classification Summary - May 2015. Collection method: clinical testing. Allele origin: germline.
Comment: Variant summary: RAD51C c.335G>C (p.Gly112Ala) results in a non-conservative amino acid change to a well-conserved residue located in the DNA recombination and repair protein RecA-like, ATP-binding domain of the encoded protein sequence. Five of five in-silico tools predict a damaging effect of the variant on protein function. The variant allele was found at a frequency of 4e-06 in 251296 control chromosomes. The available data on variant occurrences in the general population are insufficient to allow any conclusion about variant significance. c.335G>C has been reported in the literature in individuals affected with breast cancer without strong evidence for causality (Lhota_2016, Guindalini_2021, Weitzel_2019). These reports do not provide unequivocal conclusions about association of the variant with Hereditary Breast And Ovarian Cancer Syndrome. To our knowledge, no experimental evidence demonstrating an impact on protein function has been reported. Six submitters have provided clinical-significance assessments for this variant to ClinVar after 2014, classifying it as uncertain significance (n=5) or likely benign (n=1). Based on the evidence outlined above, the variant was classified as uncertain significance.

Ambry Genetics
Classification: Likely benign for Hereditary cancer-predisposing syndrome. Last evaluated: 2020-12-28. Review status: criteria provided, single submitter. Criteria: Ambry Variant Classification Scheme 2023. Collection method: clinical testing. Allele origin: germline.

CeGaT Center for Human Genetics Tuebingen
Classification: Uncertain significance. Last evaluated: 2018-07-01. Review status: criteria provided, single submitter. Criteria: CeGaT Center For Human Genetics Tuebingen Variant Classification Criteria Version 2. Collection method: clinical testing. Allele origin: germline. Affected: yes. Observed: 1 variant allele.

Literature cited by the submitters: PubMed 37253112 (cited by Labcorp Genetics (formerly Invitae), Labcorp and Color Diagnostics, LLC DBA Color Health); PubMed 26822949 (cited by 3 submitters); PubMed 31422574 (cited by 3 submitters); PubMed 33471991 (cited by Color Diagnostics, LLC DBA Color Health and Quest Diagnostics Nichols Institute San Juan Capistrano); PubMed 35264596 (cited by 3 submitters); PubMed 25085752 (cited by Myriad Genetics, Inc.); PubMed 26691941 (cited by Quest Diagnostics Nichols Institute San Juan Capistrano and Ambry Genetics); PubMed 31206626 (cited by Quest Diagnostics Nichols Institute San Juan Capistrano and Women's Health and Genetics/Laboratory Corporation of America, LabCorp).

NM_058216.3(RAD51C):c.335G>C (p.Gly112Ala)

Gene: RAD51C (RAD51 paralog C; plus strand). Cytogenetic location: 17q22.
Variant type: single nucleotide variant.
Coding change: c.335G>C on transcript NM_058216.3 (MANE Select); coding-DNA position 335, G replaced by C.
Protein change: p.Gly112Ala; replaces glycine 112 with alanine.
Molecular consequence: missense variant. On other transcripts: non-coding transcript variant (2).
Genome position (GRCh38, 1-based): chr17:58,695,120, G>C. VCF-style: chr17-58695120-G-C. GRCh37 (hg19) VCF-style: chr17-56772481-G-C.
Other names: c.335G>C, p.Gly112Ala (NM_002876.4); short protein forms G112A.
Identifiers: ClinVar variation 142093 (VCV000142093.75), dbSNP rs370212314, ClinGen allele CA333232.